The following is an entry in ClinVar:

NM_033305.3(VPS13A):c.1006C>T (p.His336Tyr)

Gene: VPS13A (vacuolar protein sorting 13 homolog A; plus strand). Cytogenetic location: 9q21.2.
Variant type: single nucleotide variant.
Coding change: c.1006C>T on transcript NM_033305.3 (MANE Select); coding-DNA position 1006, C replaced by T.
Protein change: p.His336Tyr; replaces histidine 336 with tyrosine.
Molecular consequence: missense variant.
Genome position (GRCh38, 1-based): chr9:77,221,201, C>T. VCF-style: chr9-77221201-C-T. GRCh37 (hg19) VCF-style: chr9-79836117-C-T.
Other names: c.1006C>T, p.His336Tyr (NM_001018037.2, NM_001018038.3, NM_015186.4); short protein forms H336Y.
Identifiers: ClinVar variation 2189294 (VCV002189294.3), dbSNP rs1320968630, ClinGen allele CA373843801.

ClinVar aggregate classification (germline): Uncertain significance (1 of 4 stars; one submission).

Allele frequency attached by ClinVar (database versions not stated): gnomAD exomes 0.00001.

Submission:

Labcorp Genetics (formerly Invitae), Labcorp
Classification: Uncertain significance. Last evaluated: 2024-10-24. Review status: criteria provided, single submitter. Criteria: Invitae Variant Classification Sherloc (09022015). Collection method: clinical testing. Allele origin: germline.
Comment: This sequence change replaces histidine, which is basic and polar, with tyrosine, which is neutral and polar, at codon 336 of the VPS13A protein (p.His336Tyr). This variant is present in population databases (no rsID available, gnomAD 0.0009%). This variant has not been reported in the literature in individuals affected with VPS13A-related conditions. ClinVar contains an entry for this variant (Variation ID: 2189294). Invitae Evidence Modeling of protein sequence and biophysical properties (such as structural, functional, and spatial information, amino acid conservation, physicochemical variation, residue mobility, and thermodynamic stability) indicates that this missense variant is not expected to disrupt VPS13A protein function with a negative predictive value of 80%. In summary, the available evidence is currently insufficient to determine the role of this variant in disease. Therefore, it has been classified as a Variant of Uncertain Significance.